The following is an entry in ClinVar:

NM_001048174.2(MUTYH):c.627del (p.Asn210fs)

Gene: MUTYH (mutY DNA glycosylase; minus strand). Cytogenetic location: 1p34.1.
Variant type: Deletion.
Coding change: c.627del on transcript NM_001048174.2 (MANE Select); coding-DNA position 627, one base deleted (C; older notation c.627delC).
Protein change: p.Asn210fs; shifts the reading frame from asparagine 210.
Molecular consequence: frameshift variant. On other transcripts: non-coding transcript variant (2).
Genome position (GRCh38, 1-based): chr1:45,332,468, G deleted on the plus strand (C on the coding strand, the reverse complement: MUTYH is on the minus strand). VCF-style (leftmost placement, unchanged base first): chr1-45332467-TG-T. GRCh37 (hg19) VCF-style: chr1-45798139-TG-T.
Other names: c.282del, p.Asn95fs (NM_001350650.2, NM_001350651.2); c.702del, p.Asn235fs (NM_012222.3); c.627del, p.Asn210fs (NM_001048171.2, NM_001048173.2, NM_001293195.2); c.630del, p.Asn211fs (NM_001048172.2); c.711del, p.Asn238fs (NM_001128425.2); c.672del, p.Asn225fs (NM_001293190.2); c.660del, p.Asn221fs (NM_001293191.2); c.351del, p.Asn118fs (NM_001293192.2, NM_001293196.2); and 1 more; short protein forms N221fs, N238fs, N95fs, N210fs, N211fs, N118fs, N225fs, N235fs.
Identifiers: ClinVar variation 1459595 (VCV001459595.7), dbSNP rs1645098684, ClinGen allele CA2473712746.
Genomic context (GRCh38, chr1:45,332,467, plus strand): 5'-CAAGGGTGCTGCTGGGATCAGCACCAATGGCTCGGACACGGCACAGCACCCGTGCTACGT[TG>T]CCATCCACCACACCGGTTGCCTGGCACAGAGGGGCCAAAGAGTTAGCCTGGGCTGGGAGG-3'

ClinVar aggregate classification (germline): Pathogenic. Review status: criteria provided, multiple submitters, no conflicts (2 of 4 stars). 2 submissions from 2 submitters: Pathogenic (2). Last evaluated 2025-09-03.

Conditions:
Familial adenomatous polyposis 2. Also called: MYH-associated polyposis; Adenomas, multiple colorectal; COLORECTAL ADENOMATOUS POLYPOSIS, AUTOSOMAL RECESSIVE; ADENOMAS, MULTIPLE COLORECTAL, AUTOSOMAL RECESSIVE; FAP type 2; MUTYH Polyposis. Identifiers: Orphanet 220460, Orphanet 247798, MedGen C3272841, MONDO:0012041, OMIM 608456.
Hereditary cancer-predisposing syndrome. Also called: Tumor predisposition; Neoplastic Syndromes, Hereditary; Hereditary Cancer Syndrome; Hereditary neoplastic syndrome. Identifiers: Orphanet 140162, MedGen C0027672, MeSH D009386, MONDO:0015356.

Allele frequency attached by ClinVar (database versions not stated): TOPMed below 0.00001.

Submissions (2):

Ambry Genetics
Classification: Pathogenic for Hereditary cancer-predisposing syndrome. Last evaluated: 2025-09-03. Review status: criteria provided, single submitter. Criteria: Ambry Variant Classification Scheme 2023. Collection method: clinical testing. Allele origin: germline.
Comment: The c.711delC pathogenic mutation, located in coding exon 9 of the MUTYH gene, results from a deletion of one nucleotide at nucleotide position 711, causing a translational frameshift with a predicted alternate stop codon (p.N238Tfs*2). This variant is considered to be rare based on population cohorts in the Genome Aggregation Database (gnomAD). This alteration is expected to result in loss of function by premature protein truncation or nonsense-mediated mRNA decay. As such, this alteration is interpreted as a disease-causing mutation.

Labcorp Genetics (formerly Invitae), Labcorp
Classification: Pathogenic for Familial adenomatous polyposis 2. Last evaluated: 2021-06-16. Review status: criteria provided, single submitter. Criteria: Invitae Variant Classification Sherloc (09022015). Collection method: clinical testing. Allele origin: germline.
Comment: This sequence change creates a premature translational stop signal (p.Asn238Thrfs*2) in the MUTYH gene. It is expected to result in an absent or disrupted protein product. Loss-of-function variants in MUTYH are known to be pathogenic (PMID: 18534194, 20663686). This variant is not present in population databases (ExAC no frequency). This variant has not been reported in the literature in individuals with MUTYH-related conditions. For these reasons, this variant has been classified as Pathogenic.

Literature cited by the submitters: PubMed 18534194 (cited by Labcorp Genetics (formerly Invitae), Labcorp); PubMed 20663686 (cited by Labcorp Genetics (formerly Invitae), Labcorp).